The following is an entry in ClinVar:

NM_001171613.2(PREPL):c.-49+1686T>C

Gene: PREPL (prolyl endopeptidase like; minus strand). Cytogenetic location: 2p21.
Variant type: single nucleotide variant.
Coding change: c.-49+1686T>C on transcript NM_001171613.2 (MANE Select); 1686 bases into the intron after 49 bases upstream of the start codon, T replaced by C.
Molecular consequence: intron variant. On other transcripts: missense variant (7).
Genome position (GRCh38, 1-based): chr2:44,359,694, A>G on the plus strand (T>C on the coding strand, the complement: PREPL is on the minus strand). VCF-style: chr2-44359694-A-G. GRCh37 (hg19) VCF-style: chr2-44586833-A-G.
Other names: c.22T>C, p.Phe8Leu (NM_001042385.2, NM_001042386.2, NM_001171603.1 and 4 more transcripts); c.-49+1830T>C (NM_001171617.1); c.-49+1723T>C (NM_001374277.1); short protein forms F8L.
Identifiers: ClinVar variation 3664072 (VCV003664072.2).

ClinVar aggregate classification (germline): Uncertain significance (1 of 4 stars; one submission).

Conditions:
Myasthenic syndrome, congenital, 22 (CMS22). Also called: PREPL DEFICIENCY. Identifiers: MedGen C4479088, MONDO:0044299, OMIM 616224.

gnomAD v4.1: 1 of 1,612,344 alleles (0.000062%); highest among the groups gnomAD compares: Non-Finnish European, 0.000085%; no homozygotes.

Submission:

Labcorp Genetics (formerly Invitae), Labcorp
Classification: Uncertain significance for Myasthenic syndrome, congenital, 22. Last evaluated: 2024-08-31. Review status: criteria provided, single submitter. Criteria: Invitae Variant Classification Sherloc (09022015). Collection method: clinical testing. Allele origin: germline.
Comment: This sequence change replaces phenylalanine, which is neutral and non-polar, with leucine, which is neutral and non-polar, at codon 8 of the PREPL protein (p.Phe8Leu). This variant is present in population databases (rs773116683, gnomAD 0.0009%). This variant has not been reported in the literature in individuals affected with PREPL-related conditions. An algorithm developed to predict the effect of missense changes on protein structure and function (PolyPhen-2) suggests that this variant is likely to be tolerated. In summary, the available evidence is currently insufficient to determine the role of this variant in disease. Therefore, it has been classified as a Variant of Uncertain Significance.